The following is an entry in ClinVar:

ClinVar aggregate classification (germline): Uncertain significance. Review status: criteria provided, multiple submitters, no conflicts (2 of 4 stars). 3 submissions from 3 submitters: Uncertain significance (3). Last evaluated 2025-06-29.

Conditions:
Imerslund-Grasbeck syndrome type 1 (IGS1). Also called: Megaloblastic anemia 1, Finnish type; MEGALOBLASTIC ANEMIA, 1; Imerslund-Gräsbeck syndrome 1. Identifiers: MedGen C4016819, MONDO:0100156, OMIM 261100.
Proteinuria, chronic benign. Identifiers: MedGen C5394384, MONDO:0030042, OMIM 618884.
Inborn genetic diseases. Identifiers: MedGen C0950123, MeSH D030342.
Imerslund-Grasbeck syndrome. Also called: Megaloblastic anemia due to inborn errors of metabolism; ENTEROCYTE COBALAMIN MALABSORPTION; ENTEROCYTE INTRINSIC FACTOR RECEPTOR, DEFECT OF; Imerslund-Gräsbeck syndrome; PERNICIOUS ANEMIA, JUVENILE, DUE TO SELECTIVE INTESTINAL MALABSORPTION OF VITAMIN B12, WITH PROTEINURIA. Identifiers: Orphanet 35858, MedGen C4551825, MONDO:0009853.

Allele frequency attached by ClinVar (database versions not stated): ExAC 0.00003; 1000 Genomes Project 0.00020; gnomAD exomes 0.00001 and 0.00002; ESP Exome Variant Server 0.00008; gnomAD 0.00011 and 0.00013; TOPMed 0.00018; 1000 Genomes Project 30x 0.00016.
gnomAD v4.1: 35 of 1,614,044 alleles (0.0022%); highest among the groups gnomAD compares: African/African-American, 0.028%; no homozygotes.

Submissions (3):

Labcorp Genetics (formerly Invitae), Labcorp
Classification: Uncertain significance for Imerslund-Grasbeck syndrome. Last evaluated: 2025-06-29. Review status: criteria provided, single submitter. Criteria: Invitae Variant Classification Sherloc (09022015). Collection method: clinical testing. Allele origin: germline.
Comment: This sequence change replaces proline, which is neutral and non-polar, with alanine, which is neutral and non-polar, at codon 2894 of the CUBN protein (p.Pro2894Ala). This variant is present in population databases (rs377159715, gnomAD 0.04%). This variant has not been reported in the literature in individuals affected with CUBN-related conditions. ClinVar contains an entry for this variant (Variation ID: 658610). Invitae Evidence Modeling of protein sequence and biophysical properties (such as structural, functional, and spatial information, amino acid conservation, physicochemical variation, residue mobility, and thermodynamic stability) has been performed for this missense variant. However, the output from this modeling did not meet the statistical confidence thresholds required to predict the impact of this variant on CUBN protein function. In summary, the available evidence is currently insufficient to determine the role of this variant in disease. Therefore, it has been classified as a Variant of Uncertain Significance.

Ambry Genetics
Classification: Uncertain significance for Inborn genetic diseases. Last evaluated: 2025-05-19. Review status: criteria provided, single submitter. Criteria: Ambry Variant Classification Scheme 2023. Collection method: clinical testing. Allele origin: germline.

Fulgent Genetics
Classification: Uncertain significance for Imerslund-Grasbeck syndrome type 1; Proteinuria, chronic benign. Last evaluated: 2024-04-29. Review status: criteria provided, single submitter. Criteria: ACMG Guidelines, 2015. Collection method: clinical testing. Allele origin: germline.

NM_001081.4(CUBN):c.8680C>G (p.Pro2894Ala)

Gene: CUBN (cubilin; minus strand). Cytogenetic location: 10p13.
Variant type: single nucleotide variant.
Coding change: c.8680C>G on transcript NM_001081.4 (MANE Select); coding-DNA position 8680, C replaced by G.
Protein change: p.Pro2894Ala; replaces proline 2894 with alanine.
Molecular consequence: missense variant.
Genome position (GRCh38, 1-based): chr10:16,890,446, G>C on the plus strand (C>G on the coding strand, the complement: CUBN is on the minus strand). VCF-style: chr10-16890446-G-C. GRCh37 (hg19) VCF-style: chr10-16932445-G-C.
Other names: short protein forms P2894A.
Identifiers: ClinVar variation 658610 (VCV000658610.10), dbSNP rs377159715, ClinGen allele CA5422947.